The following is an entry in ClinVar:

ClinVar aggregate classification (germline): Uncertain significance. Review status: criteria provided, multiple submitters, no conflicts (2 of 4 stars). 2 submissions from 2 submitters: Uncertain significance (2). Last evaluated 2025-04-09.

Conditions:
Inborn genetic diseases. Identifiers: MedGen C0950123, MeSH D030342.

Allele frequency attached by ClinVar (database versions not stated): gnomAD exomes below 0.00001; ExAC 0.00001; gnomAD 0.00001; TOPMed 0.00001.
gnomAD v4.1: 4 of 1,584,058 alleles (0.00025%); highest among the groups gnomAD compares: African/African-American, 0.004%; no homozygotes.

Submissions (2):

Ambry Genetics
Classification: Uncertain significance for Inborn genetic diseases. Last evaluated: 2025-04-09. Review status: criteria provided, single submitter. Criteria: Ambry Variant Classification Scheme 2023. Collection method: clinical testing. Allele origin: germline.

Labcorp Genetics (formerly Invitae), Labcorp
Classification: Uncertain significance. Last evaluated: 2023-01-19. Review status: criteria provided, single submitter. Criteria: Invitae Variant Classification Sherloc (09022015). Collection method: clinical testing. Allele origin: germline.
Comment: This variant has not been reported in the literature in individuals affected with POMP-related conditions. In summary, the available evidence is currently insufficient to determine the role of this variant in disease. Therefore, it has been classified as a Variant of Uncertain Significance. Algorithms developed to predict the effect of missense changes on protein structure and function (SIFT, PolyPhen-2, Align-GVGD) all suggest that this variant is likely to be tolerated. The frequency data for this variant in the population databases is considered unreliable, as metrics indicate poor data quality at this position in the gnomAD database. This sequence change replaces asparagine, which is neutral and polar, with serine, which is neutral and polar, at codon 40 of the POMP protein (p.Asn40Ser).

NM_015932.6(POMP):c.119A>G (p.Asn40Ser)

Gene: POMP (proteasome maturation protein; plus strand). Cytogenetic location: 13q12.3.
Variant type: single nucleotide variant.
Coding change: c.119A>G on transcript NM_015932.6 (MANE Select); coding-DNA position 119, A replaced by G.
Protein change: p.Asn40Ser; replaces asparagine 40 with serine.
Molecular consequence: missense variant.
Genome position (GRCh38, 1-based): chr13:28,664,526, A>G. VCF-style: chr13-28664526-A-G. GRCh37 (hg19) VCF-style: chr13-29238663-A-G.
Other names: c.119A>G (NM_015932.5); short protein forms N40S.
Identifiers: ClinVar variation 1922973 (VCV001922973.6), dbSNP rs749793445, ClinGen allele CA6931032.